The following is an entry in ClinVar:

NM_022114.4(PRDM16):c.2133G>A (p.Met711Ile)

Gene: PRDM16 (PR/SET domain 16; plus strand). Cytogenetic location: 1p36.32.
Variant type: single nucleotide variant.
Coding change: c.2133G>A on transcript NM_022114.4 (MANE Select); coding-DNA position 2133, G replaced by A.
Protein change: p.Met711Ile; replaces methionine 711 with isoleucine.
Molecular consequence: missense variant.
Genome position (GRCh38, 1-based): chr1:3,412,330, G>A. VCF-style: chr1-3412330-G-A. GRCh37 (hg19) VCF-style: chr1-3328894-G-A.
Other names: c.2133G>A, p.Met711Ile (NM_199454.3); short protein forms M711I.
Identifiers: ClinVar variation 2418405 (VCV002418405.6), dbSNP rs1171883892, ClinGen allele CA337999742.
Genomic context (GRCh38, chr1:3,412,330, plus strand): 5'-CTCCATCAAGGCCATCGCATCCATTGCCGAGAAGTACTTTGGCCCCGGCTTCATGGGGAT[G>A]CAGGAGAAGAAGCTGGGCTCGCTCCCCTACCACTCGGCGTTCCCCTTCCAGTTCCTGCCC-3'
Protein context (NP_071397.3, residues 701-721): EKYFGPGFMG[Met711Ile]QEKKLGSLPY

ClinVar aggregate classification (germline): Uncertain significance (1 of 4 stars; one submission).

Conditions:
Left ventricular noncompaction 8 (LVNC8). Identifiers: Orphanet 154, Orphanet 54260, MedGen C3809288, MONDO:0014152, OMIM 615373.

Allele frequency attached by ClinVar (database versions not stated): gnomAD exomes below 0.00001.
gnomAD v4.1: 1 of 1,613,800 alleles (0.000062%); highest among the groups gnomAD compares: East Asian, 0.0022%; no homozygotes.

Submission:

Labcorp Genetics (formerly Invitae), Labcorp
Classification: Uncertain significance for Left ventricular noncompaction 8. Last evaluated: 2023-02-16. Review status: criteria provided, single submitter. Criteria: Invitae Variant Classification Sherloc (09022015). Collection method: clinical testing. Allele origin: germline.
Comment: This sequence change replaces methionine, which is neutral and non-polar, with isoleucine, which is neutral and non-polar, at codon 711 of the PRDM16 protein (p.Met711Ile). This variant is present in population databases (no rsID available, gnomAD 0.006%). This variant has not been reported in the literature in individuals affected with PRDM16-related conditions. An algorithm developed to predict the effect of missense changes on protein structure and function (PolyPhen-2) suggests that this variant is likely to be tolerated. In summary, the available evidence is currently insufficient to determine the role of this variant in disease. Therefore, it has been classified as a Variant of Uncertain Significance.